The following is an entry in ClinVar:

NM_198173.3(GRHL3):c.1737C>A (p.Ser579Arg)

Gene: GRHL3 (grainyhead like transcription factor 3; plus strand). Cytogenetic location: 1p36.11.
Variant type: single nucleotide variant.
Coding change: c.1737C>A on transcript NM_198173.3 (MANE Select); coding-DNA position 1737, C replaced by A.
Protein change: p.Ser579Arg; replaces serine 579 with arginine.
Molecular consequence: missense variant. On other transcripts: intron variant (1).
Genome position (GRCh38, 1-based): chr1:24,354,416, C>A. VCF-style: chr1-24354416-C-A. GRCh37 (hg19) VCF-style: chr1-24680906-C-A.
Other names: c.1599C>A, p.Ser533Arg (NM_001195010.2); c.1752C>A, p.Ser584Arg (NM_021180.4); c.1694+4294C>A (NM_198174.3); short protein forms S533R, S579R, S584R.
Identifiers: ClinVar variation 4992722 (VCV004992722.1).

ClinVar aggregate classification (germline): Uncertain significance (1 of 4 stars; one submission).

Conditions:
GRHL3-related disorder. Also called: GRHL3-related condition.

Submission:

PreventionGenetics, part of Exact Sciences
Classification: Uncertain significance for GRHL3-related condition. Last evaluated: 2026-02-11. Review status: criteria provided, single submitter. Criteria: ACMG Guidelines, 2015. Collection method: clinical testing. Allele origin: germline.
Comment: The GRHL3 c.1737C>A variant is predicted to result in the amino acid substitution p.Ser579Arg. To our knowledge, this variant has not been reported in the literature or in a large population database (gnomAD), indicating this variant is rare. At this time, the clinical significance of this variant is uncertain due to the absence of conclusive functional and genetic evidence.